The following is an entry in ClinVar:

ClinVar aggregate classification (germline): Uncertain significance (1 of 4 stars; one submission).

Conditions:
Inborn genetic diseases. Identifiers: MedGen C0950123, MeSH D030342.

gnomAD v4.1: 5 of 1,614,174 alleles (0.00031%); highest among the groups gnomAD compares: South Asian, 0.0033%; no homozygotes.

Submission:

Ambry Genetics
Classification: Uncertain significance for Inborn genetic diseases. Last evaluated: 2024-07-18. Review status: criteria provided, single submitter. Criteria: Ambry Variant Classification Scheme 2023. Collection method: clinical testing. Allele origin: germline.
Comment: The p.P582L variant (also known as c.1745C>T), located in coding exon 12 of the EPAS1 gene, results from a C to T substitution at nucleotide position 1745. The proline at codon 582 is replaced by leucine, an amino acid with similar properties. This amino acid position is conserved. In addition, this alteration is predicted to be tolerated by in silico analysis. Based on the available evidence, the clinical significance of this variant remains unclear.

NM_001430.5(EPAS1):c.1745C>T (p.Pro582Leu)

Gene: EPAS1 (endothelial PAS domain protein 1; plus strand). Cytogenetic location: 2p21.
Variant type: single nucleotide variant.
Coding change: c.1745C>T on transcript NM_001430.5 (MANE Select); coding-DNA position 1745, C replaced by T.
Protein change: p.Pro582Leu; replaces proline 582 with leucine.
Molecular consequence: missense variant.
Genome position (GRCh38, 1-based): chr2:46,380,417, C>T. VCF-style: chr2-46380417-C-T. GRCh37 (hg19) VCF-style: chr2-46607556-C-T.
Other names: short protein forms P582L.
Identifiers: ClinVar variation 3508953 (VCV003508953.1).